The following is an entry in ClinVar:

ClinVar aggregate classification (germline): Likely pathogenic (1 of 4 stars; one submission).

Submission:

Labcorp Genetics (formerly Invitae), Labcorp
Classification: Likely pathogenic. Last evaluated: 2023-06-20. Review status: criteria provided, single submitter. Criteria: Invitae Variant Classification Sherloc (09022015). Collection method: clinical testing. Allele origin: germline.
Comment: This sequence change affects an acceptor splice site in intron 7 of the CEP135 gene. It is expected to disrupt RNA splicing. Variants that disrupt the donor or acceptor splice site typically lead to a loss of protein function (PMID: 16199547), and loss-of-function variants in CEP135 are known to be pathogenic (PMID: 22521416, 26657937). This variant is not present in population databases (gnomAD no frequency). This variant has not been reported in the literature in individuals affected with CEP135-related conditions. Algorithms developed to predict the effect of sequence changes on RNA splicing suggest that this variant may disrupt the consensus splice site. In summary, the currently available evidence indicates that the variant is pathogenic, but additional data are needed to prove that conclusively. Therefore, this variant has been classified as Likely Pathogenic.

Literature cited by the submitters: PubMed 16199547; PubMed 22521416; PubMed 26657937.

NM_025009.5(CEP135):c.829-1G>A

Gene: CEP135 (centrosomal protein 135; plus strand). Cytogenetic location: 4q12.
Variant type: single nucleotide variant.
Coding change: c.829-1G>A on transcript NM_025009.5 (MANE Select); the canonical splice acceptor site of the intron before coding-DNA position 829, G replaced by A.
Molecular consequence: splice acceptor variant.
Genome position (GRCh38, 1-based): chr4:55,965,643, G>A. VCF-style: chr4-55965643-G-A. GRCh37 (hg19) VCF-style: chr4-56831809-G-A.
Identifiers: ClinVar variation 2852152 (VCV002852152.3), dbSNP rs2476038044, ClinGen allele CA356976312.